The following is an entry in ClinVar:

ClinVar aggregate classification (germline): Uncertain significance (1 of 4 stars; one submission).

Conditions:
Cardiovascular phenotype. Identifiers: MedGen CN230736.

Submission:

Ambry Genetics
Classification: Uncertain significance for Cardiovascular phenotype. Last evaluated: 2024-02-22. Review status: criteria provided, single submitter. Criteria: Ambry Variant Classification Scheme 2023. Collection method: clinical testing. Allele origin: germline.
Comment: The p.A336P variant (also known as c.1006G>C), located in coding exon 1 of the DOLK gene, results from a G to C substitution at nucleotide position 1006. The alanine at codon 336 is replaced by proline, an amino acid with highly similar properties. This amino acid position is conserved. In addition, this alteration is predicted to be tolerated by in silico analysis. Based on the available evidence, the clinical significance of this alteration remains unclear.

NM_014908.4(DOLK):c.1006G>C (p.Ala336Pro)

Gene: DOLK (dolichol kinase; minus strand). Cytogenetic location: 9q34.11.
Variant type: single nucleotide variant.
Coding change: c.1006G>C on transcript NM_014908.4 (MANE Select); coding-DNA position 1006, G replaced by C.
Protein change: p.Ala336Pro; replaces alanine 336 with proline.
Molecular consequence: missense variant.
Genome position (GRCh38, 1-based): chr9:128,946,298, C>G on the plus strand (G>C on the coding strand, the complement: DOLK is on the minus strand). VCF-style: chr9-128946298-C-G. GRCh37 (hg19) VCF-style: chr9-131708577-C-G.
Other names: short protein forms A336P.
Identifiers: ClinVar variation 3226322 (VCV003226322.1), dbSNP rs769241947, ClinGen allele CA375120868.